The following is an entry in ClinVar:

ClinVar aggregate classification (germline): Likely pathogenic (1 of 4 stars; one submission).

Conditions:
Inborn genetic diseases. Identifiers: MedGen C0950123, MeSH D030342.

Submission:

Ambry Genetics
Classification: Likely pathogenic for Inborn genetic diseases. Last evaluated: 2020-02-19. Review status: criteria provided, single submitter. Criteria: Ambry Variant Classification Scheme 2023. Collection method: clinical testing. Allele origin: germline.
Comment: The alteration results in an in-frame deletion: _x000D_ _x000D_ The c.992_1006del15 (p.Q331_K335del) alteration, located in coding exon 1 of the POU3F3 gene, results from an in-frame deletion of 15 nucleotides at positions 992 to 1006. This results in the deletion of 5 amino acids between codons 331 and 335. The alteration is not observed in population databases: _x000D_ _x000D_ Based on data from the Genome Aggregation Database (gnomAD), the POU3F3 c.992_1006del15 alteration was not observed, with coverage at this position. The deleted amino acids are conserved throughout evolution:_x000D_ _x000D_ The Q331_K335 amino acids are completely conserved in available vertebrate species. The alteration is predicted deleterious by in silico modeling:_x000D_ _x000D_ The p.Q331_K335del alteration is predicted to be deleterious with a score of -38.00 by PROVEAN in silico analysis. Based on the available evidence, this alteration is classified as likely pathogenic.

Literature cited by the submitters: PubMed 31303265.

NM_006236.3(POU3F3):c.992_1006del (p.Gln331_Lys335del)

Gene: POU3F3 (POU class 3 homeobox 3; plus strand). Cytogenetic location: 2q12.1.
Variant type: Deletion.
Coding change: c.992_1006del on transcript NM_006236.3 (MANE Select); coding-DNA positions 992 to 1006, 15 bases deleted (AGCGGCGCATCAAGC).
Protein change: p.Gln331_Lys335del.
Molecular consequence: inframe deletion.
Genome position (GRCh38, 1-based): chr2:104,856,502-104,856,516, AGCGGCGCATCAAGC deleted; deleting any 15 consecutive bases within chr2:104,856,496-104,856,516 gives the same sequence; the c. name uses the placement nearest the transcript's 3' end. VCF-style (leftmost placement, unchanged base first): chr2-104856495-TTCAAGCAGCGGCGCA-T. GRCh37 (hg19) VCF-style: chr2-105472953-TTCAAGCAGCGGCGCA-T.
Identifiers: ClinVar variation 520803 (VCV000520803.5), dbSNP rs1553426462, ClinGen allele CA658795836.